The following is an entry in ClinVar:

ClinVar aggregate classification (germline): Uncertain significance. Review status: criteria provided, multiple submitters, no conflicts (2 of 4 stars). 4 submissions from 4 submitters: Uncertain significance (4). Last evaluated 2026-09-03.

Conditions:
Charcot-Marie-Tooth disease type 4. Also called: Charcot-Marie-Tooth disease, type IV; Charcot-Marie-Tooth, Type 4. Identifiers: Orphanet 64749, MedGen C4082197, MONDO:0018995.
Charcot-Marie-Tooth disease type 4F. Also called: Charcot-Marie-Tooth disease, demyelinating, type 4F. Identifiers: Orphanet 99952, MedGen C3540453, MONDO:0013959, OMIM 614895.
Inborn genetic diseases. Identifiers: MedGen C0950123, MeSH D030342.
PRX-related disorder. Also called: PRX-related condition; PRX-Related Disorders.

Allele frequency attached by ClinVar (database versions not stated): gnomAD exomes 0.00001 and 0.00002; ExAC 0.00004; TOPMed 0.00004; gnomAD 0.00007 and 0.00008; ESP Exome Variant Server 0.00008.
gnomAD v4.1: 21 of 1,579,826 alleles (0.0013%); highest among the groups gnomAD compares: African/African-American, 0.019%; no homozygotes.

Submissions (4):

PreventionGenetics, part of Exact Sciences
Classification: Uncertain significance for PRX-related condition. Last evaluated: 2026-09-03. Review status: criteria provided, single submitter. Criteria: ACMG Guidelines, 2015. Collection method: clinical testing. Allele origin: germline.
Comment: The PRX c.553C>T variant is predicted to result in the amino acid substitution p.Arg185Cys. To our knowledge, this variant has not been reported in the literature. This variant is reported in 0.027% of alleles in individuals of African descent in gnomAD. At this time, the clinical significance of this variant is uncertain due to the absence of conclusive functional and genetic evidence.

Labcorp Genetics (formerly Invitae), Labcorp
Classification: Uncertain significance for Charcot-Marie-Tooth disease type 4. Last evaluated: 2023-10-13. Review status: criteria provided, single submitter. Criteria: Invitae Variant Classification Sherloc (09022015). Collection method: clinical testing. Allele origin: germline.
Comment: This sequence change replaces arginine, which is basic and polar, with cysteine, which is neutral and slightly polar, at codon 185 of the PRX protein (p.Arg185Cys). This variant is present in population databases (rs376863946, gnomAD 0.03%). This variant has not been reported in the literature in individuals affected with PRX-related conditions. ClinVar contains an entry for this variant (Variation ID: 847198). An algorithm developed to predict the effect of missense changes on protein structure and function (PolyPhen-2) suggests that this variant is likely to be disruptive. In summary, the available evidence is currently insufficient to determine the role of this variant in disease. Therefore, it has been classified as a Variant of Uncertain Significance.

Ambry Genetics
Classification: Uncertain significance for Inborn genetic diseases. Last evaluated: 2019-09-26. Review status: criteria provided, single submitter. Criteria: Ambry Variant Classification Scheme 2023. Collection method: clinical testing. Allele origin: germline.
Comment: The p.R185C variant (also known as c.553C>T), located in coding exon 4 of the PRX gene, results from a C to T substitution at nucleotide position 553. The arginine at codon 185 is replaced by cysteine, an amino acid with highly dissimilar properties. This amino acid position is highly conserved in available vertebrate species. In addition, this alteration is predicted to be tolerated by in silico analysis. Since supporting evidence is limited at this time, the clinical significance of this alteration remains unclear.

Victorian Clinical Genetics Services, Murdoch Childrens Research Institute
Classification: Uncertain significance for Charcot-Marie-Tooth disease type 4F. Last evaluated: 2019-08-28. Review status: criteria provided, single submitter. Criteria: ACMG Guidelines, 2015. Collection method: clinical testing. Allele origin: germline. Affected: yes.
Comment: A heterozygous missense variant was identified, NM_181882.2(PRX):c.553C>T in exon 7 of 7 of the PRX gene. This substitution is predicted to create a major amino acid change from arginine to cysteine at position 185 of the protein, NP_870998.2(PRX):p.(Arg185Cys). The arginine at this position has low conservation (100 vertebrates, UCSC), but is located within the nuclear localisation signal motif. In silico software predictions of the pathogenicity of this variant are conflicting (PolyPhen, SIFT, CADD, MutationTaster). The variant is present in the gnomAD population database at a frequency of 0.0028% (6 heterozygotes; 0 homozygotes). An alternative change to histidine at the same residue has also been reported in the gnomAD database at a frequency of 0.097%. The variant has not previously been reported in clinical cases. Based on information available at the time of curation, this variant has been classified as a VARIANT of UNCERTAIN SIGNIFICANCE (VUS) with LOW CLINICAL RELEVANCE.

NM_181882.3(PRX):c.553C>T (p.Arg185Cys)

Gene: PRX (periaxin; minus strand). Cytogenetic location: 19q13.2.
Variant type: single nucleotide variant.
Coding change: c.553C>T on transcript NM_181882.3 (MANE Select); coding-DNA position 553, C replaced by T.
Protein change: p.Arg185Cys; replaces arginine 185 with cysteine.
Molecular consequence: missense variant. On other transcripts: 3 prime UTR variant (1).
Genome position (GRCh38, 1-based): chr19:40,397,799, G>A on the plus strand (C>T on the coding strand, the complement: PRX is on the minus strand). VCF-style: chr19-40397799-G-A. GRCh37 (hg19) VCF-style: chr19-40903706-G-A.
Other names: c.*758C>T (NM_020956.2); short protein forms R185C.
Identifiers: ClinVar variation 847198 (VCV000847198.12), dbSNP rs376863946, ClinGen allele CA9444433.